The following is an entry in ClinVar:

ClinVar aggregate classification (germline): Conflicting classifications of pathogenicity. Review status: criteria provided, conflicting classifications (1 of 4 stars). 4 submissions from 4 submitters: Uncertain significance (3); Benign (1). Last evaluated 2025-12-18.

Conditions:
SLC39A8-CDG. Also called: CONGENITAL DISORDER OF GLYCOSYLATION, TYPE IIn; CDG IIn; SLC39A8 deficiency. Identifiers: Orphanet 468699, MedGen C4225234, MONDO:0014746, OMIM 616721.

Allele frequency attached by ClinVar (database versions not stated): ESP Exome Variant Server 0.00016; 1000 Genomes Project 0.00020; 1000 Genomes Project 30x 0.00031; TOPMed 0.00035; gnomAD 0.00043 and 0.00046; gnomAD exomes 0.00064; ExAC 0.00117.

Submissions (4):

Labcorp Genetics (formerly Invitae), Labcorp
Classification: Benign. Last evaluated: 2025-12-18. Review status: criteria provided, single submitter. Criteria: Invitae Variant Classification Sherloc (09022015). Collection method: clinical testing. Allele origin: germline.

Blueprint Genetics
Classification: Uncertain significance. Last evaluated: 2024-10-18. Review status: criteria provided, single submitter. Criteria: ACMG Guidelines, 2015. Collection method: clinical testing. Allele origin: germline.

GeneDx
Classification: Uncertain significance. Last evaluated: 2024-09-27. Review status: criteria provided, single submitter. Criteria: GeneDx Variant Classification Process June 2021. Collection method: clinical testing. Allele origin: germline. Affected: yes.
Comment: Identified in a patient with impaired glycosylation, global psychomotor delay, epilepsy, cerebellar atrophy, hypotonia, scoliosis, and low manganese concentrations who also harbored a SLC39A8 variant in cis and another SLC39A8 variant in trans (PMID: 26637979); In silico analysis indicates that this missense variant does not alter protein structure/function; This variant is associated with the following publications: (PMID: 32753748, 35636252, 29453449, 26637979)

Department of Pathology and Laboratory Medicine, Sinai Health System
Classification: Uncertain significance for SLC39A8-CDG. Last evaluated: 2022-04-04. Review status: criteria provided, single submitter. Criteria: ACMG Guidelines, 2015. Collection method: research. Allele origin: germline.

NM_001135146.2(SLC39A8):c.97G>A (p.Val33Met)

Genes: SLC39A8 (solute carrier family 39 member 8; minus strand), LOC129992876 (ATAC-STARR-seq lymphoblastoid silent region 15595; plus strand). Cytogenetic location: 4q24.
Variant type: single nucleotide variant.
Coding change: c.97G>A on transcript NM_001135146.2 (MANE Select); coding-DNA position 97, G replaced by A.
Protein change: p.Val33Met; replaces valine 33 with methionine.
Molecular consequence: missense variant.
Genome position (GRCh38, 1-based): chr4:102,344,566, C>T on the plus strand (G>A on the coding strand, the complement: SLC39A8 is on the minus strand). VCF-style: chr4-102344566-C-T. GRCh37 (hg19) VCF-style: chr4-103265723-C-T.
Other names: c.97G>A, p.Val33Met (NM_001135147.1, NM_022154.5); short protein forms V33M.
Identifiers: ClinVar variation 242446 (VCV000242446.9), dbSNP rs373562040, ClinGen allele CA057540.